The following is an entry in ClinVar:

NM_001164508.2(NEB):c.20467-3A>G

Gene: NEB (nebulin; minus strand). Cytogenetic location: 2q23.3.
Variant type: single nucleotide variant.
Coding change: c.20467-3A>G on transcript NM_001164508.2 (MANE Select); 3 bases into the intron before coding-DNA position 20467, A replaced by G.
Molecular consequence: intron variant.
Genome position (GRCh38, 1-based): chr2:151,546,001, T>C on the plus strand (A>G on the coding strand, the complement: NEB is on the minus strand). VCF-style: chr2-151546001-T-C. GRCh37 (hg19) VCF-style: chr2-152402515-T-C.
Other names: c.15364-3A>G (NM_004543.5); c.20467-3A>G (NM_001164507.2, NM_001271208.2).
Identifiers: ClinVar variation 1407373 (VCV001407373.3), dbSNP rs1463738651, ClinGen allele CA2573133360.

ClinVar aggregate classification (germline): Uncertain significance (1 of 4 stars; one submission).

Conditions:
Nemaline myopathy 2 (NEM2). Also called: Nemaline myopathy 2, autosomal recessive. Identifiers: MedGen C1850569, MONDO:0009725, OMIM 256030.

Submission:

Labcorp Genetics (formerly Invitae), Labcorp
Classification: Uncertain significance for Nemaline myopathy 2. Last evaluated: 2021-01-25. Review status: criteria provided, single submitter. Criteria: Invitae Variant Classification Sherloc (09022015). Collection method: clinical testing. Allele origin: germline.
Comment: This sequence change falls in intron 134 of the NEB gene. It does not directly change the encoded amino acid sequence of the NEB protein. It affects a nucleotide within the consensus splice site of the intron. This variant is not present in population databases (ExAC no frequency). This variant has not been reported in the literature in individuals with NEB-related conditions. Nucleotide substitutions within the consensus splice site are a relatively common cause of aberrant splicing (PMID: 17576681, 9536098). Algorithms developed to predict the effect of sequence changes on RNA splicing suggest that this variant may disrupt the consensus splice site, but this prediction has not been confirmed by published transcriptional studies. In summary, the available evidence is currently insufficient to determine the role of this variant in disease. Therefore, it has been classified as a Variant of Uncertain Significance.

Literature cited by the submitters: PubMed 17576681; PubMed 9536098.